The following is an entry in ClinVar:

NM_206933.4(USH2A):c.7771C>T (p.His2591Tyr)

Gene: USH2A (usherin; minus strand). Cytogenetic location: 1q41.
Variant type: single nucleotide variant.
Coding change: c.7771C>T on transcript NM_206933.4 (MANE Select); coding-DNA position 7771, C replaced by T.
Protein change: p.His2591Tyr; replaces histidine 2591 with tyrosine.
Molecular consequence: missense variant.
Genome position (GRCh38, 1-based): chr1:215,888,878, G>A on the plus strand (C>T on the coding strand, the complement: USH2A is on the minus strand). VCF-style: chr1-215888878-G-A. GRCh37 (hg19) VCF-style: chr1-216062220-G-A.
Other names: short protein forms H2591Y.
Identifiers: ClinVar variation 1504672 (VCV001504672.6), dbSNP rs758792302, ClinGen allele CA1394746.
Genomic context (GRCh38, chr1:215,888,878, plus strand): 5'-AAAGGGAACATCCTTTTGAAGTGCAGGCTTCTACCTGAAACTTATAGGCAGTGTATGGGT[G>A]TAAATGCATCACTGTGCAATTAGTGACATTTCCAGGAGTTCTCAAGTATAGACGGCCATG-3'
Protein context (NP_996816.3, residues 2581-2601): NVTNCTVMHL[His2591Tyr]PYTAYKFQVE

ClinVar aggregate classification (germline): Uncertain significance (1 of 4 stars; one submission).

Allele frequency attached by ClinVar (database versions not stated): gnomAD exomes below 0.00001; ExAC 0.00001; gnomAD 0.00001.
gnomAD v4.1: 4 of 1,614,038 alleles (0.00025%); highest among the groups gnomAD compares: South Asian, 0.0011%; no homozygotes.

Submission:

Labcorp Genetics (formerly Invitae), Labcorp
Classification: Uncertain significance. Last evaluated: 2022-03-10. Review status: criteria provided, single submitter. Criteria: Invitae Variant Classification Sherloc (09022015). Collection method: clinical testing. Allele origin: germline.
Comment: This sequence change replaces histidine, which is basic and polar, with tyrosine, which is neutral and polar, at codon 2591 of the USH2A protein (p.His2591Tyr). This variant is present in population databases (rs758792302, gnomAD 0.0009%). This variant has not been reported in the literature in individuals affected with USH2A-related conditions. Algorithms developed to predict the effect of missense changes on protein structure and function output the following: SIFT: "Deleterious"; PolyPhen-2: "Benign"; Align-GVGD: "Class C25". The tyrosine amino acid residue is found in multiple mammalian species, which suggests that this missense change does not adversely affect protein function. In summary, the available evidence is currently insufficient to determine the role of this variant in disease. Therefore, it has been classified as a Variant of Uncertain Significance.